The following is an entry in ClinVar:

NM_000548.5(TSC2):c.3999C>T (p.Tyr1333=)

Gene: TSC2 (TSC complex subunit 2; plus strand). Cytogenetic location: 16p13.3.
Variant type: single nucleotide variant.
Coding change: c.3999C>T on transcript NM_000548.5 (MANE Select); coding-DNA position 3999, C replaced by T.
Protein change: p.Tyr1333=; no amino-acid change (tyrosine 1333 retained).
Molecular consequence: synonymous variant.
Genome position (GRCh38, 1-based): chr16:2,083,810, C>T. VCF-style: chr16-2083810-C-T. GRCh37 (hg19) VCF-style: chr16-2133811-C-T.
Other names: c.3798C>T, p.Tyr1266= (NM_001077183.3); c.3930C>T, p.Tyr1310= (NM_001114382.3); c.3690C>T, p.Tyr1230= (NM_001318827.2); c.3654C>T, p.Tyr1218= (NM_001318829.2); c.3267C>T, p.Tyr1089= (NM_001318831.2); c.3831C>T, p.Tyr1277= (NM_001318832.2); c.3801C>T, p.Tyr1267= (NM_001363528.2); c.3867C>T, p.Tyr1289= (NM_001370404.1); and 1 more.
Identifiers: ClinVar variation 468053 (VCV000468053.16), dbSNP rs775604492, ClinGen allele CA049890.

ClinVar aggregate classification (germline): Benign/Likely benign. Review status: criteria provided, multiple submitters, no conflicts (2 of 4 stars). 4 submissions from 4 submitters: Benign (1); Likely benign (3). Last evaluated 2025-11-04.

Conditions:
Hereditary cancer-predisposing syndrome. Also called: Hereditary neoplastic syndrome; Neoplastic Syndromes, Hereditary; Tumor predisposition; Hereditary Cancer Syndrome. Identifiers: Orphanet 140162, MedGen C0027672, MeSH D009386, MONDO:0015356.
Tuberous sclerosis 2 (TSC2). Identifiers: Orphanet 805, MedGen C1860707, MONDO:0013199, OMIM 613254.

Allele frequency attached by ClinVar (database versions not stated): gnomAD 0.00001; gnomAD exomes 0.00001; ExAC 0.00002.
gnomAD v4.1: 10 of 1,610,902 alleles (0.00062%); highest among the groups gnomAD compares: Admixed American, 0.0017%; no homozygotes.

Submissions (4):

Labcorp Genetics (formerly Invitae), Labcorp
Classification: Likely benign for Tuberous sclerosis 2. Last evaluated: 2025-11-04. Review status: criteria provided, single submitter. Criteria: Invitae Variant Classification Sherloc (09022015). Collection method: clinical testing. Allele origin: germline.

Myriad Genetics, Inc.
Classification: Benign for Tuberous sclerosis 2. Last evaluated: 2025-06-02. Review status: criteria provided, single submitter. Criteria: Myriad Autosomal Dominant, Autosomal Recessive and X-Linked Classification Criteria (2023). Collection method: clinical testing. Allele origin: unknown.
Comment: This variant is considered benign. This variant is a silent/synonymous amino acid change and it is not expected to impact splicing.

Women's Health and Genetics/Laboratory Corporation of America, LabCorp
Classification: Likely benign. Last evaluated: 2024-02-29. Review status: criteria provided, single submitter. Criteria: LabCorp Variant Classification Summary - May 2015. Collection method: clinical testing. Allele origin: germline.

Ambry Genetics
Classification: Likely benign for Hereditary cancer-predisposing syndrome. Last evaluated: 2020-06-22. Review status: criteria provided, single submitter. Criteria: Ambry Variant Classification Scheme 2023. Collection method: clinical testing. Allele origin: germline.